The following is an entry in ClinVar:

NM_001370259.2(MEN1):c.466G>T (p.Gly156Cys)

Gene: MEN1 (menin 1; minus strand). Cytogenetic location: 11q13.1.
Variant type: single nucleotide variant.
Coding change: c.466G>T on transcript NM_001370259.2 (MANE Select); coding-DNA position 466, G replaced by T.
Protein change: p.Gly156Cys; replaces glycine 156 with cysteine.
Molecular consequence: missense variant.
Genome position (GRCh38, 1-based): chr11:64,808,079, C>A on the plus strand (G>T on the coding strand, the complement: MEN1 is on the minus strand). VCF-style: chr11-64808079-C-A. GRCh37 (hg19) VCF-style: chr11-64575551-C-A.
Other names: c.481G>T, p.Gly161Cys (NM_000244.4, NM_130800.3, NM_130801.3 and 3 more transcripts); c.466G>T, p.Gly156Cys (NM_001370251.2, NM_001370260.2, NM_001370261.2 and 3 more transcripts); short protein forms G156C, G161C.
Identifiers: ClinVar variation 988303 (VCV000988303.12), dbSNP rs1085307471, ClinGen allele CA381186247.

ClinVar aggregate classification (germline): Pathogenic/Likely pathogenic. Review status: criteria provided, multiple submitters, no conflicts (2 of 4 stars). 5 submissions from 5 submitters: Pathogenic (2); Likely pathogenic (3). Last evaluated 2025-07-31.

Conditions:
MEN1-related disorder. Also called: MEN1-related condition.
Hereditary cancer-predisposing syndrome. Also called: Hereditary Cancer Syndrome; Tumor predisposition; Neoplastic Syndromes, Hereditary; Hereditary neoplastic syndrome. Identifiers: Orphanet 140162, MedGen C0027672, MeSH D009386, MONDO:0015356.
Multiple endocrine neoplasia, type 1 (MEN1). Also called: MEN I; WERMER SYNDROME; MEA I; Endocrine adenomatosis multiple; MEN 1. Identifiers: Orphanet 652, MedGen C0025267, MeSH D018761, MONDO:0007540, OMIM 131100.

Submissions (5):

Ambry Genetics
Classification: Pathogenic for Hereditary cancer-predisposing syndrome. Last evaluated: 2025-07-31. Review status: criteria provided, single submitter. Criteria: Ambry Variant Classification Scheme 2023. Collection method: clinical testing. Allele origin: germline.
Comment: The p.G156C pathogenic mutation (also known as c.466G>T), located in coding exon 2 of the MEN1 gene, results from a G to T substitution at nucleotide position 466. The glycine at codon 156 is replaced by cysteine, an amino acid with highly dissimilar properties. This variant was reported in individual(s) with features consistent with multiple endocrine neoplasia type 1 (Tham E et al. J. Clin. Endocrinol. Metab., 2007 Sep;92:3389-95; Ambry Internal Data). Functional analysis showed steady state protein expression to be less than 20% of wild type using immunocytochemical assays (Shimazu S et al. Cancer Sci., 2011 Nov;102:2097-102). Other variant(s) at the same codon, G156D, G156S, G156V, and G156R, have been identified in individual(s) with features consistent with multiple endocrine neoplasia type 1 (Vierimaa O et al. Eur. J. Endocrinol., 2007 Sep;157:285-94; Belar O et al. Clin. Endocrinol. (Oxf), 2012 May;76:719-24; Tham E et al. J. Clin. Endocrinol. Metab., 2007 Sep;92:3389-95; Mutch MG et al. Hum. Mutat., 1999;13:175-85). This amino acid position is highly conserved in available vertebrate species. In addition, this alteration is predicted to be deleterious by in silico analysis. This variant is considered to be rare based on population cohorts in the Genome Aggregation Database (gnomAD). Based on the supporting evidence, this variant is interpreted as a disease-causing mutation.

Quest Diagnostics Nichols Institute San Juan Capistrano
Classification: Likely pathogenic. Last evaluated: 2025-03-20. Review status: criteria provided, single submitter. Criteria: Quest Diagnostics criteria. Collection method: clinical testing. Allele origin: unknown.
Comment: The MEN1 c.466G>T (p.Gly156Cys) variant has been reported in the published literature in individuals with multiple endocrine neoplasia type 1 (PMID: 17623761 (2007), 38907957 (2024)). A functional study demonstrated that this variant resulted in decreased protein expression (PMID: 21819486 (2011)). In addition, other missense alterations at this same codon (G156R and G156D), including at least one likely pathogenic, have been described in patients with multiple endocrine neoplasia type 1 (PMID: 17766710 (2007), 10090472 (1999)). This variant has not been reported in large, multi-ethnic general populations (Genome Aggregation Database). Analysis of this variant using bioinformatics tools for the prediction of the effect of amino acid changes on protein structure and function yielded predictions that this variant is damaging. Based on the available information, this variant is classified as likely pathogenic.

Labcorp Genetics (formerly Invitae), Labcorp
Classification: Likely pathogenic for Multiple endocrine neoplasia, type 1. Last evaluated: 2023-05-03. Review status: criteria provided, single submitter. Criteria: Invitae Variant Classification Sherloc (09022015). Collection method: clinical testing. Allele origin: germline.
Comment: In summary, the currently available evidence indicates that the variant is pathogenic, but additional data are needed to prove that conclusively. Therefore, this variant has been classified as Likely Pathogenic. This sequence change replaces glycine, which is neutral and non-polar, with cysteine, which is neutral and slightly polar, at codon 156 of the MEN1 protein (p.Gly156Cys). This variant is not present in population databases (gnomAD no frequency). This missense change has been observed in individual(s) with primary hyperparathyroidism (PMID: 17623761). ClinVar contains an entry for this variant (Variation ID: 988303). Advanced modeling of protein sequence and biophysical properties (such as structural, functional, and spatial information, amino acid conservation, physicochemical variation, residue mobility, and thermodynamic stability) performed at Invitae indicates that this missense variant is expected to disrupt MEN1 protein function. Experimental studies have shown that this missense change affects MEN1 function (PMID: 21819486). This variant disrupts the p.Gly156 amino acid residue in MEN1. Other variant(s) that disrupt this residue have been determined to be pathogenic (PMID: 10090472, 29039523). This suggests that this residue is clinically significant, and that variants that disrupt this residue are likely to be disease-causing.

Blueprint Genetics
Classification: Likely pathogenic for MEN1-related disorders. Last evaluated: 2020-10-09. Review status: criteria provided, single submitter. Criteria: ACMG Guidelines, 2015. Collection method: clinical testing. Allele origin: germline. Affected: yes. Observed: 1 variant allele.

Clinical Genetics and Genomics, Karolinska University Hospital
Classification: Pathogenic. Last evaluated: 2016-04-07. Review status: criteria provided, single submitter. Criteria: ACMG Guidelines, 2015. Collection method: clinical testing. Allele origin: germline. Affected: yes. Observed: 1 variant allele.

Literature cited by the submitters: PubMed 10090472 (cited by Ambry Genetics and Labcorp Genetics (formerly Invitae), Labcorp); PubMed 17623761 (cited by Ambry Genetics and Labcorp Genetics (formerly Invitae), Labcorp); PubMed 17766710 (cited by Ambry Genetics); PubMed 21819486 (cited by Ambry Genetics and Labcorp Genetics (formerly Invitae), Labcorp); PubMed 22026581 (cited by Ambry Genetics); PubMed 29039523 (cited by Labcorp Genetics (formerly Invitae), Labcorp).